The following is an entry in ClinVar:

ClinVar aggregate classification (germline): Likely pathogenic (1 of 4 stars; one submission).

Allele frequency attached by ClinVar (database versions not stated): TOPMed below 0.00001.

Submission:

Labcorp Genetics (formerly Invitae), Labcorp
Classification: Likely pathogenic. Last evaluated: 2023-12-19. Review status: criteria provided, single submitter. Criteria: Invitae Variant Classification Sherloc (09022015). Collection method: clinical testing. Allele origin: germline.
Comment: This sequence change affects a donor splice site in intron 10 of the PIGB gene. It is expected to disrupt RNA splicing. Variants that disrupt the donor or acceptor splice site typically lead to a loss of protein function (PMID: 16199547), and loss-of-function variants in PIGB are known to be pathogenic (PMID: 31256876, 34400385). This variant is not present in population databases (gnomAD no frequency). This variant has not been reported in the literature in individuals affected with PIGB-related conditions. Algorithms developed to predict the effect of sequence changes on RNA splicing suggest that this variant may disrupt the consensus splice site. In summary, the currently available evidence indicates that the variant is pathogenic, but additional data are needed to prove that conclusively. Therefore, this variant has been classified as Likely Pathogenic.

Literature cited by the submitters: PubMed 16199547; PubMed 31256876; PubMed 34400385.

NM_004855.5(PIGB):c.1337+1G>A

Gene: PIGB (phosphatidylinositol glycan anchor biosynthesis class B; plus strand). Cytogenetic location: 15q21.3.
Variant type: single nucleotide variant.
Coding change: c.1337+1G>A on transcript NM_004855.5 (MANE Select); the canonical splice donor site of the intron after coding-DNA position 1337, G replaced by A.
Molecular consequence: splice donor variant.
Genome position (GRCh38, 1-based): chr15:55,350,913, G>A. VCF-style: chr15-55350913-G-A. GRCh37 (hg19) VCF-style: chr15-55643111-G-A.
Identifiers: ClinVar variation 2769741 (VCV002769741.3), dbSNP rs1225703225, ClinGen allele CA392543866.